The following is an entry in ClinVar:

ClinVar aggregate classification (germline): Uncertain significance (1 of 4 stars; one submission).

Submission:

Labcorp Genetics (formerly Invitae), Labcorp
Classification: Uncertain significance. Last evaluated: 2025-03-27. Review status: criteria provided, single submitter. Criteria: Invitae Variant Classification Sherloc (09022015). Collection method: clinical testing. Allele origin: germline.
Comment: This sequence change replaces lysine, which is basic and polar, with glutamic acid, which is acidic and polar, at codon 265 of the KLF1 protein (p.Lys265Glu). This variant is not present in population databases (gnomAD no frequency). This variant has not been reported in the literature in individuals affected with KLF1-related conditions. Invitae Evidence Modeling of protein sequence and biophysical properties (such as structural, functional, and spatial information, amino acid conservation, physicochemical variation, residue mobility, and thermodynamic stability) indicates that this missense variant is expected to disrupt KLF1 protein function with a positive predictive value of 80%. In summary, the available evidence is currently insufficient to determine the role of this variant in disease. Therefore, it has been classified as a Variant of Uncertain Significance.

NM_006563.5(KLF1):c.793A>G (p.Lys265Glu)

Genes: KLF1 (KLF transcription factor 1; minus strand), LOC117125591 (CRISPRi-FlowFISH-validated PRDX2 and RAD23A regulatory element; plus strand). Cytogenetic location: 19p13.13.
Variant type: single nucleotide variant.
Coding change: c.793A>G on transcript NM_006563.5 (MANE Select); coding-DNA position 793, A replaced by G.
Protein change: p.Lys265Glu; replaces lysine 265 with glutamic acid.
Molecular consequence: missense variant.
Genome position (GRCh38, 1-based): chr19:12,885,437, T>C on the plus strand (A>G on the coding strand, the complement: KLF1 is on the minus strand). VCF-style: chr19-12885437-T-C. GRCh37 (hg19) VCF-style: chr19-12996251-T-C.
Other names: short protein forms K265E.
Identifiers: ClinVar variation 4743473 (VCV004743473.1).